The following is an entry in ClinVar:

NM_001130969.3(NSMF):c.620G>A (p.Arg207His)

Gene: NSMF (NMDA receptor synaptonuclear signaling and neuronal migration factor; minus strand). Cytogenetic location: 9q34.3.
Variant type: single nucleotide variant.
Coding change: c.620G>A on transcript NM_001130969.3 (MANE Select); coding-DNA position 620, G replaced by A.
Protein change: p.Arg207His; replaces arginine 207 with histidine.
Molecular consequence: missense variant.
Genome position (GRCh38, 1-based): chr9:137,457,415, C>T on the plus strand (G>A on the coding strand, the complement: NSMF is on the minus strand). VCF-style: chr9-137457415-C-T. GRCh37 (hg19) VCF-style: chr9-140351867-C-T.
Other names: c.620G>A, p.Arg207His (NM_001130970.2, NM_001130971.2, NM_001178064.2 and 1 more transcripts); short protein forms R207H.
Identifiers: ClinVar variation 1314983 (VCV001314983.2), dbSNP rs201458494, ClinGen allele CA5370523.

ClinVar aggregate classification (germline): Uncertain significance (1 of 4 stars; one submission).

Allele frequency attached by ClinVar (database versions not stated): TOPMed below 0.00001; gnomAD 0.00001; ESP Exome Variant Server 0.00008.
gnomAD v4.1: 6 of 1,612,800 alleles (0.00037%); highest among the groups gnomAD compares: Admixed American, 0.0033%; no homozygotes.

Submission:

GeneDx
Classification: Uncertain significance. Last evaluated: 2020-02-18. Review status: criteria provided, single submitter. Criteria: GeneDx Variant Classification Process June 2021. Collection method: clinical testing. Allele origin: germline. Affected: yes.
Comment: In silico analysis supports that this missense variant does not alter protein structure/function; Has not been previously published as pathogenic or benign to our knowledge